The following is an entry in ClinVar:

ClinVar aggregate classification (germline): Uncertain significance (1 of 4 stars; one submission).

Submission:

Ambry Genetics
Classification: Uncertain significance. Last evaluated: 2023-05-03. Review status: criteria provided, single submitter. Criteria: Ambry Variant Classification Scheme 2023. Collection method: clinical testing. Allele origin: germline.
Comment: The p.Q763R variant (also known as c.2288A>G), located in coding exon 16 of the CTNNA3 gene, results from an A to G substitution at nucleotide position 2288. The glutamine at codon 763 is replaced by arginine, an amino acid with highly similar properties. This amino acid position is conserved. In addition, the in silico prediction for this alteration is inconclusive. Since supporting evidence is limited at this time, the clinical significance of this alteration remains unclear.

NM_013266.4(CTNNA3):c.2288A>G (p.Gln763Arg)

Gene: CTNNA3 (catenin alpha 3; minus strand). Cytogenetic location: 10q21.3.
Variant type: single nucleotide variant.
Coding change: c.2288A>G on transcript NM_013266.4 (MANE Select); coding-DNA position 2288, A replaced by G.
Protein change: p.Gln763Arg; replaces glutamine 763 with arginine.
Molecular consequence: missense variant.
Genome position (GRCh38, 1-based): chr10:65,966,724, T>C on the plus strand (A>G on the coding strand, the complement: CTNNA3 is on the minus strand). VCF-style: chr10-65966724-T-C. GRCh37 (hg19) VCF-style: chr10-67726482-T-C.
Other names: c.2288A>G, p.Gln763Arg (NM_001127384.3); short protein forms Q763R.
Identifiers: ClinVar variation 2564944 (VCV002564944.2), dbSNP rs2492644271, ClinGen allele CA377090125.